The following is an entry in ClinVar:

ClinVar aggregate classification (germline): Likely benign. Review status: criteria provided, multiple submitters, no conflicts (2 of 4 stars). 3 submissions from 3 submitters: Likely benign (3). Last evaluated 2025-12-03.

Conditions:
Developmental and epileptic encephalopathy, 12 (DEE12). Identifiers: MedGen C3150988, MONDO:0013389, OMIM 613722.

Allele frequency attached by ClinVar (database versions not stated): ExAC 0.00003; gnomAD 0.00003; gnomAD exomes 0.00004; TOPMed 0.00004; ESP Exome Variant Server 0.00023.
gnomAD v4.1: 132 of 1,614,030 alleles (0.0082%); highest among the groups gnomAD compares: Non-Finnish European, 0.0098%; no homozygotes.

Submissions (3):

Labcorp Genetics (formerly Invitae), Labcorp
Classification: Likely benign for Developmental and epileptic encephalopathy, 12. Last evaluated: 2025-12-03. Review status: criteria provided, single submitter. Criteria: Invitae Variant Classification Sherloc (09022015). Collection method: clinical testing. Allele origin: germline.

CeGaT Center for Human Genetics Tuebingen
Classification: Likely benign. Last evaluated: 2022-11-01. Review status: criteria provided, single submitter. Criteria: CeGaT Center For Human Genetics Tuebingen Variant Classification Criteria Version 2. Collection method: clinical testing. Allele origin: germline. Affected: yes. Observed: 1 variant allele.
Comment: PNKP: BP4, BP7

Breakthrough Genomics
Classification: Likely benign. Review status: criteria provided, single submitter. Criteria: ACMG Guidelines, 2015. Collection method: not provided. Allele origin: germline. Inheritance: Autosomal recessive inheritance. Affected: yes.

NM_007254.4(PNKP):c.366C>T (p.Thr122=)

Gene: PNKP (polynucleotide kinase 3'-phosphatase; minus strand). Cytogenetic location: 19q13.33.
Variant type: single nucleotide variant.
Coding change: c.366C>T on transcript NM_007254.4 (MANE Select); coding-DNA position 366, C replaced by T.
Protein change: p.Thr122=; no amino-acid change (threonine 122 retained).
Molecular consequence: synonymous variant.
Genome position (GRCh38, 1-based): chr19:49,865,259, G>A on the plus strand (C>T on the coding strand, the complement: PNKP is on the minus strand). VCF-style: chr19-49865259-G-A. GRCh37 (hg19) VCF-style: chr19-50368516-G-A.
Identifiers: ClinVar variation 697920 (VCV000697920.36), dbSNP rs145274731, ClinGen allele CA9586963.
Genomic context (GRCh38, chr19:49,865,259, plus strand): 5'-CTTCCGCATACGCTTCTTCGGCAGCTCAGCATCTCTCTTCTCATCTTGGGACACCAGAGG[G>A]GTGCCAGGCGGAGTATCTGGCTGGGATTCTGGTGTGCGGGTCTCTTCCCAGCGCAGGGTC-3'
Protein context (NP_009185.2, residues 112-132): PESQPDTPPG[Thr122=]PLVSQDEKRD